The following is an entry in ClinVar:

ClinVar aggregate classification (germline): Uncertain significance (1 of 4 stars; one submission).

Allele frequency attached by ClinVar (database versions not stated): TOPMed below 0.00001; gnomAD 0.00001.
gnomAD v4.1: 1 of 1,612,944 alleles (0.000062%); no homozygotes.

Submission:

Labcorp Genetics (formerly Invitae), Labcorp
Classification: Uncertain significance. Last evaluated: 2024-10-29. Review status: criteria provided, single submitter. Criteria: Invitae Variant Classification Sherloc (09022015). Collection method: clinical testing. Allele origin: germline.
Comment: This sequence change replaces valine, which is neutral and non-polar, with methionine, which is neutral and non-polar, at codon 230 of the MTTP protein (p.Val230Met). This variant is not present in population databases (gnomAD no frequency). This variant has not been reported in the literature in individuals affected with MTTP-related conditions. ClinVar contains an entry for this variant (Variation ID: 1384437). Invitae Evidence Modeling of protein sequence and biophysical properties (such as structural, functional, and spatial information, amino acid conservation, physicochemical variation, residue mobility, and thermodynamic stability) indicates that this missense variant is not expected to disrupt MTTP protein function with a negative predictive value of 80%. In summary, the available evidence is currently insufficient to determine the role of this variant in disease. Therefore, it has been classified as a Variant of Uncertain Significance.

NM_001386140.1(MTTP):c.688G>A (p.Val230Met)

Gene: MTTP (microsomal triglyceride transfer protein; plus strand). Cytogenetic location: 4q23.
Variant type: single nucleotide variant.
Coding change: c.688G>A on transcript NM_001386140.1 (MANE Select); coding-DNA position 688, G replaced by A.
Protein change: p.Val230Met; replaces valine 230 with methionine.
Molecular consequence: missense variant.
Genome position (GRCh38, 1-based): chr4:99,591,720, G>A. VCF-style: chr4-99591720-G-A. GRCh37 (hg19) VCF-style: chr4-100512877-G-A.
Other names: c.688G>A, p.Val230Met (NM_000253.4); c.439G>A, p.Val147Met (NM_001300785.2); short protein forms V147M, V230M.
Identifiers: ClinVar variation 1384437 (VCV001384437.7), dbSNP rs951475142, ClinGen allele CA102624937.
Genomic context (GRCh38, chr4:99,591,720, plus strand): 5'-GTCAGTTCAAAAGCTACATCTGTCACCACCTATAAGATAGAAGACAGCTTTGTTATAGCT[G>A]TGCTTGCTGAAGAAACACACAATTTTGGACTGAATTTCCTACAAACCATTAAGGGGAAAA-3'
Protein context (NP_001373069.1, residues 220-240): YKIEDSFVIA[Val230Met]LAEETHNFGL